The following is an entry in ClinVar:

NM_015046.7(SETX):c.6322C>T (p.Gln2108Ter)

Gene: SETX (senataxin; minus strand). Cytogenetic location: 9q34.13.
Variant type: single nucleotide variant.
Coding change: c.6322C>T on transcript NM_015046.7 (MANE Select); coding-DNA position 6322, C replaced by T.
Protein change: p.Gln2108Ter; replaces glutamine 2108 with a stop codon.
Molecular consequence: nonsense.
Genome position (GRCh38, 1-based): chr9:132,288,238, G>A on the plus strand (C>T on the coding strand, the complement: SETX is on the minus strand). VCF-style: chr9-132288238-G-A. GRCh37 (hg19) VCF-style: chr9-135163625-G-A.
Other names: c.6322C>T, p.Gln2108Ter (NM_001351527.2, NM_001351528.2); short protein forms Q2108*.
Identifiers: ClinVar variation 243082 (VCV000243082.2), dbSNP rs879253866, ClinGen allele CA10584084.
Genomic context (GRCh38, chr9:132,288,238, plus strand): 5'-AAAAAACTTGTTAACTAGTTCGTATACCTGAGTTATTATTCAAGAAATGCAAAGATACCT[G>A]TATTTCCCGTCCACCTCGGCATAGAGCTCGCTGCCGGGAAAGCTCATCCAGCTGATAATC-3'

ClinVar aggregate classification (germline): Pathogenic. Review status: criteria provided, multiple submitters, no conflicts (2 of 4 stars). 2 submissions from 2 submitters: Pathogenic (2). Last evaluated 2023-11-13.

Conditions:
Spinocerebellar ataxia, autosomal recessive, with axonal neuropathy 2 (SCAN2). Also called: Ataxia-ocular apraxia-2; ATAXIA-OCULOMOTOR APRAXIA 2; Ataxia with Oculomotor Apraxia; Ataxia with Oculomotor Apraxia Type 2. Identifiers: Orphanet 64753, MedGen C1853761, MONDO:0018996, OMIM 606002.

Allele frequency attached by ClinVar (database versions not stated): gnomAD exomes below 0.00001.
gnomAD v4.1: 5 of 1,612,532 alleles (0.00031%); highest among the groups gnomAD compares: Non-Finnish European, 0.00042%; no homozygotes.

Submissions (2):

GeneDx
Classification: Pathogenic. Last evaluated: 2023-11-13. Review status: criteria provided, single submitter. Criteria: GeneDx Variant Classification Process June 2021. Collection method: clinical testing. Allele origin: germline. Affected: yes.
Comment: Nonsense variant predicted to result in protein truncation or nonsense mediated decay in a gene for which loss of function is a known mechanism of disease; Not observed at significant frequency in large population cohorts (gnomAD); This variant is associated with the following publications: (PMID: 26257172)

Lupski Lab, Baylor-Hopkins CMG, Baylor College of Medicine
Classification: Pathogenic for Spinocerebellar ataxia, autosomal recessive, with axonal neuropathy 2. Last evaluated: 2015-08-18. Review status: criteria provided, single submitter. Criteria: Gonzaga-Jauregui et al. (Cell Rep. 2015). Collection method: research. Allele origin: inherited. Inheritance: Autosomal recessive inheritance. Affected: yes. Observed: 1 variant allele, 1 homozygote.